The following is an entry in ClinVar:

ClinVar aggregate classification (germline): Uncertain significance (1 of 4 stars; one submission).

Submission:

Labcorp Genetics (formerly Invitae), Labcorp
Classification: Uncertain significance. Last evaluated: 2021-09-30. Review status: criteria provided, single submitter. Criteria: Invitae Variant Classification Sherloc (09022015). Collection method: clinical testing. Allele origin: germline.
Comment: In summary, the available evidence is currently insufficient to determine the role of this variant in disease. Therefore, it has been classified as a Variant of Uncertain Significance. Algorithms developed to predict the effect of missense changes on protein structure and function are either unavailable or do not agree on the potential impact of this missense change (SIFT: "Deleterious"; PolyPhen-2: "Benign"; Align-GVGD: "Class C65"). This variant has not been reported in the literature in individuals affected with NBAS-related conditions. This variant is not present in population databases (ExAC no frequency). This sequence change replaces proline with arginine at codon 297 of the NBAS protein (p.Pro297Arg). The proline residue is highly conserved and there is a moderate physicochemical difference between proline and arginine.

NM_015909.4(NBAS):c.890C>G (p.Pro297Arg)

Gene: NBAS (NBAS subunit of NRZ tethering complex; minus strand). Cytogenetic location: 2p24.3.
Variant type: single nucleotide variant.
Coding change: c.890C>G on transcript NM_015909.4 (MANE Select); coding-DNA position 890, C replaced by G.
Protein change: p.Pro297Arg; replaces proline 297 with arginine.
Molecular consequence: missense variant. On other transcripts: non-coding transcript variant (1).
Genome position (GRCh38, 1-based): chr2:15,504,209, G>C on the plus strand (C>G on the coding strand, the complement: NBAS is on the minus strand). VCF-style: chr2-15504209-G-C. GRCh37 (hg19) VCF-style: chr2-15644333-G-C.
Other names: short protein forms P297R.
Identifiers: ClinVar variation 1463134 (VCV001463134.6), dbSNP rs139768432, ClinGen allele CA345896928.
Genomic context (GRCh38, chr2:15,504,209, plus strand): 5'-TCTTGTCCCTGGCGACTGTAAAACTTGACACTTAACATCCTTAATAATCCCAGTGTCTTC[G>C]GTACCTGCAAAATAAATGCATCATATGAAGAAAGATTACTGAAATGACTTATCGTTGTAA-3'
Protein context (NP_056993.2, residues 287-307): TNGGDGVTAV[Pro297Arg]KTLGLLRMLS